The following is an entry in ClinVar:

ClinVar aggregate classification (germline): Likely benign (1 of 4 stars; one submission).

Conditions:
Obesity due to SIM1 deficiency. Identifiers: Orphanet 369873, MedGen C5191050, MONDO:0018244.

Allele frequency attached by ClinVar (database versions not stated): gnomAD 0.00034 and 0.00040; gnomAD exomes 0.00046; TOPMed 0.00046; 1000 Genomes Project 30x 0.00219; 1000 Genomes Project 0.00240.
gnomAD v4.1: 337 of 634,852 alleles (0.053%); highest among the groups gnomAD compares: East Asian, 0.7%; 3 homozygotes.

Submission:

Illumina Laboratory Services, Illumina
Classification: Likely benign for Obesity due to SIM1 deficiency. Last evaluated: 2018-01-13. Review status: criteria provided, single submitter. Criteria: ICSL Variant Classification Criteria 13 December 2019. Collection method: clinical testing. Allele origin: germline.
Comment: This variant was observed in the ICSL laboratory as part of a predisposition screen in an ostensibly healthy population. It had not been previously curated by ICSL or reported in the Human Gene Mutation Database (HGMD: prior to June 1st, 2018), and was therefore a candidate for classification through an automated scoring system. Utilizing variant allele frequency, disease prevalence and penetrance estimates, and inheritance mode, an automated score was calculated to assess if this variant is too frequent to cause the disease. Based on the score and internal cut-off values, a variant classified as likely benign is not then subjected to further curation. The score for this variant resulted in a classification of likely benign for this disease.

NM_005068.3(SIM1):c.*183A>T

Gene: SIM1 (SIM bHLH transcription factor 1; minus strand). Cytogenetic location: 6q16.3.
Variant type: single nucleotide variant.
Coding change: c.*183A>T on transcript NM_005068.3 (MANE Select); 183 bases downstream of the stop codon, A replaced by T.
Molecular consequence: 3 prime UTR variant.
Genome position (GRCh38, 1-based): chr6:100,390,178, T>A on the plus strand (A>T on the coding strand, the complement: SIM1 is on the minus strand). VCF-style: chr6-100390178-T-A. GRCh37 (hg19) VCF-style: chr6-100838054-T-A.
Other names: c.*183A>T (NM_001374769.1).
Identifiers: ClinVar variation 354671 (VCV000354671.5), dbSNP rs145341368, ClinGen allele CA10625345.